The following is an entry in ClinVar:

NM_000548.5(TSC2):c.3442C>G (p.Gln1148Glu)

Gene: TSC2 (TSC complex subunit 2; plus strand). Cytogenetic location: 16p13.3.
Variant type: single nucleotide variant.
Coding change: c.3442C>G on transcript NM_000548.5 (MANE Select); coding-DNA position 3442, C replaced by G.
Protein change: p.Gln1148Glu; replaces glutamine 1148 with glutamic acid.
Molecular consequence: missense variant.
Genome position (GRCh38, 1-based): chr16:2,080,209, C>G. VCF-style: chr16-2080209-C-G. GRCh37 (hg19) VCF-style: chr16-2130210-C-G.
Other names: c.3310C>G, p.Gln1104Glu (NM_001077183.3, NM_001370404.1, NM_001406665.1); c.3442C>G, p.Gln1148Glu (NM_001114382.3); c.3202C>G, p.Gln1068Glu (NM_001318827.2); c.3166C>G, p.Gln1056Glu (NM_001318829.2); c.2710C>G, p.Gln904Glu (NM_001318831.2, NM_001406687.1, NM_001406688.1); c.3343C>G, p.Gln1115Glu (NM_001318832.2); c.3313C>G, p.Gln1105Glu (NM_001363528.2, NM_001370405.1, NM_021055.3); c.3253C>G, p.Gln1085Glu (NM_001406677.1); and 18 more; short protein forms Q1101E, Q1104E, Q1135E, Q656E, Q947E, Q951E, Q1056E, Q1067E.
Identifiers: ClinVar variation 1969171 (VCV001969171.6), dbSNP rs45477491, ClinGen allele CA394288696.

ClinVar aggregate classification (germline): Uncertain significance. Review status: criteria provided, multiple submitters, no conflicts (2 of 4 stars). 2 submissions from 2 submitters: Uncertain significance (2). Last evaluated 2025-01-22.

Conditions:
Tuberous sclerosis 2 (TSC2). Identifiers: Orphanet 805, MedGen C1860707, MONDO:0013199, OMIM 613254.

Submissions (2):

GeneDx
Classification: Uncertain significance. Last evaluated: 2025-01-22. Review status: criteria provided, single submitter. Criteria: GeneDx Variant Classification Process June 2021. Collection method: clinical testing. Allele origin: germline. Affected: yes.
Comment: Not observed at significant frequency in large population cohorts (gnomAD); In silico analysis indicates that this missense variant does not alter protein structure/function; Has not been previously published as pathogenic or benign to our knowledge

Labcorp Genetics (formerly Invitae), Labcorp
Classification: Uncertain significance for Tuberous sclerosis 2. Last evaluated: 2024-10-23. Review status: criteria provided, single submitter. Criteria: Invitae Variant Classification Sherloc (09022015). Collection method: clinical testing. Allele origin: germline.
Comment: This sequence change replaces glutamine, which is neutral and polar, with glutamic acid, which is acidic and polar, at codon 1148 of the TSC2 protein (p.Gln1148Glu). This variant is not present in population databases (gnomAD no frequency). This variant has not been reported in the literature in individuals affected with TSC2-related conditions. ClinVar contains an entry for this variant (Variation ID: 1969171). Invitae Evidence Modeling of protein sequence and biophysical properties (such as structural, functional, and spatial information, amino acid conservation, physicochemical variation, residue mobility, and thermodynamic stability) indicates that this missense variant is not expected to disrupt TSC2 protein function with a negative predictive value of 95%. In summary, the available evidence is currently insufficient to determine the role of this variant in disease. Therefore, it has been classified as a Variant of Uncertain Significance.